The following is an entry in ClinVar:

NM_015043.4(TBC1D9B):c.686C>G (p.Ser229Cys)

Gene: TBC1D9B (TBC1 domain family member 9B; minus strand). Cytogenetic location: 5q35.3.
Variant type: single nucleotide variant.
Coding change: c.686C>G on transcript NM_015043.4 (MANE Select); coding-DNA position 686, C replaced by G.
Protein change: p.Ser229Cys; replaces serine 229 with cysteine.
Molecular consequence: missense variant.
Genome position (GRCh38, 1-based): chr5:179,893,359, G>C on the plus strand (C>G on the coding strand, the complement: TBC1D9B is on the minus strand). VCF-style: chr5-179893359-G-C. GRCh37 (hg19) VCF-style: chr5-179320359-G-C.
Other names: c.686C>G, p.Ser229Cys (NM_198868.3); short protein forms S229C.
Identifiers: ClinVar variation 2656146 (VCV002656146.24), dbSNP rs139809387, ClinGen allele CA3602584.
Genomic context (GRCh38, chr5:179,893,359, plus strand): 5'-ATGGCCAGGTTGGCCAACTGCTCCATGAGCTTGAAGGTCTCGCCGATGTTGAGGAACATG[G>C]AGAAGAAGAGCTCCTGGTCGCGGGTGTCCACACGGATGCTCTCGGGGAAGAGCAGGGTGG-3'
Protein context (NP_055858.2, residues 219-239): VDTRDQELFF[Ser229Cys]MFLNIGETFK

ClinVar aggregate classification (germline): Likely benign (1 of 4 stars; one submission).

Allele frequency attached by ClinVar (database versions not stated): 1000 Genomes Project 0.00140; TOPMed 0.00400; ESP Exome Variant Server 0.00446; gnomAD 0.00457; ExAC 0.00491; gnomAD exomes 0.00634.
gnomAD v4.1: 9,896 of 1,614,214 alleles (0.61%); highest among the groups gnomAD compares: Non-Finnish European, 0.71%; 38 homozygotes.

Submission:

CeGaT Center for Human Genetics Tuebingen
Classification: Likely benign. Last evaluated: 2022-10-01. Review status: criteria provided, single submitter. Criteria: CeGaT Center For Human Genetics Tuebingen Variant Classification Criteria Version 2. Collection method: clinical testing. Allele origin: germline. Affected: yes. Observed: 1 variant allele.
Comment: TBC1D9B: BS2